The following is an entry in ClinVar:

ClinVar aggregate classification (germline): Uncertain significance (1 of 4 stars; one submission).

Conditions:
Baller-Gerold syndrome (BGS). Also called: CRANIOSYNOSTOSIS WITH RADIAL DEFECTS. Identifiers: Orphanet 1225, MedGen C0265308, MONDO:0009039, OMIM 218600.

Allele frequency attached by ClinVar (database versions not stated): gnomAD exomes below 0.00001.
gnomAD v4.1: 3 of 1,566,492 alleles (0.00019%); highest among the groups gnomAD compares: South Asian, 0.0035%; no homozygotes.

Submission:

Labcorp Genetics (formerly Invitae), Labcorp
Classification: Uncertain significance for Baller-Gerold syndrome. Last evaluated: 2022-09-06. Review status: criteria provided, single submitter. Criteria: Invitae Variant Classification Sherloc (09022015). Collection method: clinical testing. Allele origin: germline.
Comment: This variant is not present in population databases (gnomAD no frequency). In summary, the available evidence is currently insufficient to determine the role of this variant in disease. Therefore, it has been classified as a Variant of Uncertain Significance. Experimental studies and prediction algorithms are not available or were not evaluated, and the effect of this variant on mRNA splicing is currently unknown. This variant has not been reported in the literature in individuals affected with RECQL4-related conditions. This sequence change affects codon 484 of the RECQL4 mRNA. It is a 'silent' change, meaning that it does not change the encoded amino acid sequence of the RECQL4 protein.

NM_004260.4(RECQL4):c.1452G>A (p.Gly484=)

Gene: RECQL4 (RecQ like helicase 4; minus strand). Cytogenetic location: 8q24.3.
Variant type: single nucleotide variant.
Coding change: c.1452G>A on transcript NM_004260.4 (MANE Select); coding-DNA position 1452, G replaced by A.
Protein change: p.Gly484=; no amino-acid change (glycine 484 retained).
Molecular consequence: synonymous variant. On other transcripts: 5 prime UTR variant (1), non-coding transcript variant (3).
Genome position (GRCh38, 1-based): chr8:144,515,181, C>T on the plus strand (G>A on the coding strand, the complement: RECQL4 is on the minus strand). VCF-style: chr8-144515181-C-T. GRCh37 (hg19) VCF-style: chr8-145740565-C-T.
Other names: c.1323G>A, p.Gly441= (NM_001413025.1); c.315G>A, p.Gly105= (NM_001413027.1, NM_001413030.1, NM_001413031.1 and 2 more transcripts); c.381G>A, p.Gly127= (NM_001413028.1, NM_001413034.1, NM_001413035.1 and 8 more transcripts); c.1101G>A, p.Gly367= (NM_001413029.1); c.1452G>A, p.Gly484= (NM_001413033.1, NM_001413036.1, NM_001413039.1 and 2 more transcripts); c.-16G>A (NM_001413043.1); c.1356G>A, p.Gly452= (NM_001413017.1, NM_001413020.1).
Identifiers: ClinVar variation 2029302 (VCV002029302.4), dbSNP rs1827976765, ClinGen allele CA463567281.